The following is an entry in ClinVar:

ClinVar aggregate classification (germline): Uncertain significance. Review status: criteria provided, multiple submitters, no conflicts (2 of 4 stars). 2 submissions from 2 submitters: Uncertain significance (2). Last evaluated 2024-08-28.

Submissions (2):

Women's Health and Genetics/Laboratory Corporation of America, LabCorp
Classification: Uncertain significance. Last evaluated: 2024-08-28. Review status: criteria provided, single submitter. Criteria: LabCorp Variant Classification Summary - May 2015. Collection method: clinical testing. Allele origin: germline.
Comment: Variant summary: EIF2B2 c.496A>G (p.Met166Val) results in a conservative amino acid change in the encoded protein sequence. Four of five in-silico tools predict a damaging effect of the variant on protein function. The variant allele was found at a frequency of 4e-06 in 251288 control chromosomes. The available data on variant occurrences in the general population are insufficient to allow any conclusion about variant significance. c.496A>G has been reported in the literature in at least one compound heterozygous individual affected with Leukoencephalopathy With Vanishing White Matter (e.g. Wei_2019). These data do not currently allow any conclusion about variant significance. To our knowledge, no experimental evidence demonstrating an impact on protein function has been reported. The following publication has been ascertained in the context of this evaluation (PMID: 31438897). No submitters have cited clinical-significance assessments for this variant to ClinVar. Based on the evidence outlined above, the variant was classified as uncertain significance.

Blueprint Genetics
Classification: Uncertain significance. Last evaluated: 2023-12-08. Review status: criteria provided, single submitter. Criteria: ACMG Guidelines, 2015. Collection method: clinical testing. Allele origin: germline.

Literature cited by the submitters: PubMed 31438897 (cited by Women's Health and Genetics/Laboratory Corporation of America, LabCorp).

NM_014239.4(EIF2B2):c.496A>G (p.Met166Val)

Gene: EIF2B2 (eukaryotic translation initiation factor 2B subunit beta; plus strand). Cytogenetic location: 14q24.3.
Variant type: single nucleotide variant.
Coding change: c.496A>G on transcript NM_014239.4 (MANE Select); coding-DNA position 496, A replaced by G.
Protein change: p.Met166Val; replaces methionine 166 with valine.
Molecular consequence: missense variant.
Genome position (GRCh38, 1-based): chr14:75,004,799, A>G. VCF-style: chr14-75004799-A-G. GRCh37 (hg19) VCF-style: chr14-75471502-A-G.
Other names: short protein forms M166V.
Identifiers: ClinVar variation 3366465 (VCV003366465.2).
Genomic context (GRCh38, chr14:75,004,799, plus strand): 5'-GGGACAATGGAGAACATTGCAGCCCAGGCTCTGGAGCACATTCACTCCAATGAGGTGATC[A>G]TGACCATTGGCTTCTCCCGAACAGTAGAGGCCTTCCTCAAAGAGGCTGCCCGAAAGAGGA-3'
Protein context (NP_055054.1, residues 156-176): LEHIHSNEVI[Met166Val]TIGFSRTVEA